The following is an entry in ClinVar:

ClinVar aggregate classification (germline): Likely pathogenic. Review status: criteria provided, multiple submitters, no conflicts (2 of 4 stars). 3 submissions from 3 submitters: Likely pathogenic (2). 1 of the submissions does not count toward it. Last evaluated 2024-10-25.

Conditions:
Rare genetic deafness. Identifiers: Orphanet 96210, MedGen C5680250.
Nonsyndromic genetic hearing loss. Also called: Nonsyndromic hearing loss and deafness; Non-syndromic genetic deafness; Nonsyndromic genetic deafness. Identifiers: Orphanet 87884, MedGen C5680182, MONDO:0019497.
X-linked mixed hearing loss with perilymphatic gusher. Also called: Gusher syndrome; Deafness, X-linked 2; NANCE DEAFNESS; PERILYMPHATIC GUSHER-DEAFNESS SYNDROME; SENSORINEURAL DEAFNESS, PROFOUND, WITH OR WITHOUT A CONDUCTIVE COMPONENT, ASSOCIATED WITH A UNIQUE DEVELOPMENTAL ABNORMALITY OF THE EAR. Identifiers: Orphanet 383, MedGen C1844678, MONDO:0010576, OMIM 304400.

Submissions (3):

Women's Health and Genetics/Laboratory Corporation of America, LabCorp
Classification: Likely pathogenic for Nonsyndromic genetic hearing loss. Last evaluated: 2024-10-25. Review status: criteria provided, single submitter. Criteria: LabCorp Variant Classification Summary - May 2015. Collection method: clinical testing. Allele origin: germline.
Comment: Variant summary: POU3F4 c.695T>C (p.Ile232Thr) results in a non-conservative amino acid change located in the POU-specific domain (IPR000327) of the encoded protein sequence. Four of five in-silico tools predict a damaging effect of the variant on protein function. The variant was absent in 183439 control chromosomes. c.695T>C has been reported in the literature in individuals affected with Nonsyndromic Hearing Loss And Deafness, X-Linked 2 (Mei_2021). These data indicate that the variant is likely to be associated with disease. To our knowledge, no experimental evidence demonstrating an impact on protein function has been reported. The following publication has been ascertained in the context of this evaluation (PMID: 33976695). ClinVar contains an entry for this variant (Variation ID: 43350). Based on the evidence outlined above, the variant was classified as likely pathogenic.

Laboratory for Molecular Medicine, Mass General Brigham Personalized Medicine
Classification: Likely pathogenic for Rare genetic deafness. Last evaluated: 2012-12-11. Review status: criteria provided, single submitter. Criteria: LMM Criteria. Collection method: clinical testing. Allele origin: germline. Inheritance: X-linked inheritance. Observed: 3 variant alleles.
Comment: The Ile232Thr variant in POU3F4 has not been reported in the literature nor prev iously identified by our laboratory. It is also absent from large and broad Euro pean American and African American populations by the NHLBI Exome Sequencing Pro ject. Computational analyses (biochemical ami no acid properties, conservation, AlignGVGD, PolyPhen2, and SIFT) suggest that t he Ile232Thr variant may impact the protein, though this information is not pred ictive enough to determine pathogenicity. This variant is within the highly con served POU specific domain (amino acid 194-260). Except for one common variant ( p.Gly237Ala; dbSNP rs5921979), all other missense variants in this region have o nly been identified in individuals with X-linked hearing loss. Given the locatio n of the variant and the unique phenotypic presentation that is reasonably speci fic for POU3F4 (mixed hearing loss with absent modiolus and dilated, bulbous int ernal auditory canal), we feel this variant is likely pathogenic, though additio nal studies are required to fully establish its clinical significance.

Laboratory of Molecular Genetics, Montpellier University Hospital
Classification: Likely pathogenic for X-linked mixed hearing loss with perilymphatic gusher. Last evaluated: 2023-05-25. Review status: no assertion criteria provided. Collection method: clinical testing. Allele origin: germline. Affected: yes. Not counted in ClinVar's aggregate classification.
Comment: present in 3 affected male patients in one family

Literature cited by the submitters: PubMed 33976695 (cited by Women's Health and Genetics/Laboratory Corporation of America, LabCorp).

NM_000307.5(POU3F4):c.695T>C (p.Ile232Thr)

Gene: POU3F4 (POU class 3 homeobox 4; plus strand). Cytogenetic location: Xq21.1.
Variant type: single nucleotide variant.
Coding change: c.695T>C on transcript NM_000307.5 (MANE Select); coding-DNA position 695, T replaced by C.
Protein change: p.Ile232Thr; replaces isoleucine 232 with threonine.
Molecular consequence: missense variant.
Genome position (GRCh38, 1-based): chrX:83,509,019, T>C. VCF-style: chrX-83509019-T-C. GRCh37 (hg19) VCF-style: chrX-82764027-T-C.
Other names: short protein forms I232T.
Identifiers: ClinVar variation 43350 (VCV000043350.28), dbSNP rs397516335, ClinGen allele CA261366.